The following is an entry in ClinVar:

ClinVar aggregate classification (germline): Benign/Likely benign. Review status: criteria provided, multiple submitters, no conflicts (2 of 4 stars). 2 submissions from 2 submitters: Benign (1); Likely benign (1). Last evaluated 2026-04-21.

Conditions:
Colorectal cancer, susceptibility to, 1. Also called: COLORECTAL ADENOMA AND CANCER, SUSCEPTIBILITY TO; COLORECTAL CANCER, SUSCEPTIBILITY TO, ON CHROMOSOME 9. Identifiers: MedGen C1837315, MONDO:0012132, OMIM 608812.

Submissions (2):

Myriad Genetics, Inc.
Classification: Likely benign for Colorectal cancer, susceptibility to, 1. Last evaluated: 2026-04-21. Review status: criteria provided, single submitter. Criteria: Myriad Autosomal Dominant, Autosomal Recessive and X-Linked Classification Criteria (2023). Collection method: clinical testing. Allele origin: unknown.
Comment: This variant is considered likely benign. This variant is intronic and is not expected to impact mRNA splicing.

Labcorp Genetics (formerly Invitae), Labcorp
Classification: Benign. Last evaluated: 2025-07-07. Review status: criteria provided, single submitter. Criteria: Invitae Variant Classification Sherloc (09022015). Collection method: clinical testing. Allele origin: germline.

NM_024642.5(GALNT12):c.918-3dup

Gene: GALNT12 (polypeptide N-acetylgalactosaminyltransferase 12; plus strand). Cytogenetic location: 9q22.33.
Variant type: Duplication.
Coding change: c.918-3dup on transcript NM_024642.5 (MANE Select); 3 bases into the intron before coding-DNA position 918, one base duplicated (T; older notation c.918-3dupT).
Molecular consequence: intron variant.
Genome position (GRCh38, 1-based): chr9:98,835,246, T duplicated; the last of 6 consecutive T bases (chr9:98,835,241-98,835,246); duplicating any one gives the same sequence. VCF-style (leftmost placement, unchanged base first): chr9-98835240-C-CT. GRCh37 (hg19) VCF-style: chr9-101597522-C-CT.
Identifiers: ClinVar variation 4804124 (VCV004804124.2).
Genomic context (GRCh38, chr9:98,835,240, plus strand): 5'-GAAGGTAGTTGGATAACTGTGATGGTTTTCTGCTGTCTACAGTGAAATAAGGATATCATA[C>CT]TTTTTTAGGTCTCCAACAATGGCTGGTGGGCTGTTTGCTGTGAGTAAGAAATATTTTGAA-3'